The following is an entry in ClinVar:

NM_000545.8(HNF1A):c.1137del (p.Val380fs)

Gene: HNF1A (HNF1 homeobox A; plus strand). Cytogenetic location: 12q24.31.
Variant type: Deletion.
Coding change: c.1137del on transcript NM_000545.8 (MANE Select); coding-DNA position 1137, one base deleted (T; older notation c.1137delT).
Protein change: p.Val380fs; shifts the reading frame from valine 380.
Molecular consequence: frameshift variant.
Genome position (GRCh38, 1-based): chr12:120,996,570, T deleted. VCF-style (leftmost placement, unchanged base first): chr12-120996569-CT-C. GRCh37 (hg19) VCF-style: chr12-121434372-CT-C.
Other names: NM_000545.6(HNF1A):c.1137del; p.Val380fs; c.1137del, p.Val380fs (NM_001306179.2); c.1137delT (NM_000545.6); c.1137del (NM_000545.6); short protein forms V380fs.
Identifiers: ClinVar variation 435426 (VCV000435426.24), dbSNP rs1555212248, ClinGen allele CA645372923.

ClinVar aggregate classification (germline): Pathogenic. Review status: reviewed by expert panel (3 of 4 stars). 12 submissions from 11 submitters: Pathogenic (1). 11 of the submissions do not count toward it. Last evaluated 2021-12-31.

Conditions:
Monogenic diabetes. Identifiers: Orphanet 183625, MedGen C3888631, MONDO:0015967.
Maturity-onset diabetes of the young (MODY). Also called: Maturity onset diabetes mellitus in young. Identifiers: Orphanet 552, MedGen C0342276, MONDO:0018911, HP:0004904.
HNF1A-related disorder. Also called: HNF1A-related condition.
HNF1A-related disorders.
Maturity-onset diabetes of the young type 3. Also called: MODY, type III; MODY type 3. Identifiers: Orphanet 552, MedGen C1838100, MeSH C563933, MONDO:0010894, OMIM 600496. Disease mechanism: loss of function.

Allele frequency attached by ClinVar (database versions not stated): gnomAD exomes below 0.00001.

Submissions (12):

ClinGen Monogenic Diabetes Variant Curation Expert Panel
Classification: Pathogenic for Monogenic diabetes. Last evaluated: 2021-12-31. Review status: reviewed by expert panel. Criteria: ClinGen Diabetes ACMG Specifications v1 1. Collection method: curation. Allele origin: germline. Inheritance: Autosomal dominant inheritance.
Comment: The c.1137del variant in the HNF1 homeobox A gene, HNF1A, causes a frameshift in the protein at codon 380 (NM_000545.8), adding 4 novel amino acids before encountering a stop codon (p.Val380SerfsTer4). This variant, located in biologically-relevant exon 6 of 10, is predicted to lead to nonsense mediated decay in a gene in which loss-of-function is an established disease mechanism (PVS1; PMID: 23348805). Also, this variant is absent from gnomAD v2.1.1 (PM2_Supporting). This variant was identified in at least 17 unrelated individuals with non- autoimmune and non-absolute/near-absolute insulin-deficient diabetes (PS4; PMID: 33538814, internal lab contributors). This variant also segregated with diabetes, with 5 informative meioses in 3 families with MODY (PP1_Strong; internal lab contributors). In summary, c.1137del meets the criteria to be classified as pathogenic for monogenic diabetes. ACMG/AMP criteria applied, as specified by the ClinGen MDEP (specification version 1.0, approved 6/4/2021): PVS1, PM2_Supporting, PS4, PP1_Strong

Labcorp Genetics (formerly Invitae), Labcorp
Classification: Pathogenic. Last evaluated: 2026-01-18. Review status: criteria provided, single submitter. Criteria: Invitae Variant Classification Sherloc (09022015). Collection method: clinical testing. Allele origin: germline. Not counted in ClinVar's aggregate classification.
Comment: This sequence change creates a premature translational stop signal (p.Val380Serfs*4) in the HNF1A gene. It is expected to result in an absent or disrupted protein product. Loss-of-function variants in HNF1A are known to be pathogenic (PMID: 15928245, 18003757). This variant is not present in population databases (gnomAD no frequency). This premature translational stop signal has been observed in individual(s) with maturity-onset diabetes of the young (PMID: 9075819). Invitae Evidence Modeling of clinical and family history, age, sex, and reported ancestry of multiple individuals with this HNF1A variant has been performed. This variant is expected to be pathogenic with a positive predictive value of at least 99%. This is a validated machine learning model that incorporates the clinical features of 42,750 individuals referred to our laboratory for HNF1A testing. ClinVar contains an entry for this variant (Variation ID: 435426). For these reasons, this variant has been classified as Pathogenic.

Ambry Genetics
Classification: Pathogenic for Maturity-onset diabetes of the young. Last evaluated: 2025-02-13. Review status: criteria provided, single submitter. Criteria: Ambry Variant Classification Scheme 2023. Collection method: clinical testing. Allele origin: germline. Not counted in ClinVar's aggregate classification.
Comment: The c.1137delT pathogenic mutation, located in coding exon 6 of the HNF1A gene, results from a deletion of one nucleotide at nucleotide position 1137, causing a translational frameshift with a predicted alternate stop codon (p.V380Sfs*4). This variant (also referred to as P379fsdelT) was reported in individual(s) with features consistent with maturity-onset diabetes of the young (MODY) (Hansen T, Diabetes 1997 Apr; 46(4):726-30; Ch&egrave;vre JC, Diabetologia 1998 Sep; 41(9):1017-23). This variant is considered to be rare based on population cohorts in the Genome Aggregation Database (gnomAD). This alteration is expected to result in loss of function by premature protein truncation or nonsense-mediated mRNA decay. As such, this alteration is interpreted as a disease-causing mutation.

ARUP Laboratories, Molecular Genetics and Genomics, ARUP Laboratories
Classification: Pathogenic. Last evaluated: 2025-01-15. Review status: criteria provided, single submitter. Criteria: ARUP Molecular Germline Variant Investigation Process 2024. Collection method: clinical testing. Allele origin: germline. Not counted in ClinVar's aggregate classification.
Comment: The HNF1A c.1137del; p.Val380SerfsTer4 variant (rs1555212248, ClinVar Variation ID: 435426), is reported in the literature in multiple individuals affected with maturity-onset diabetes of the young (MODY; Colclough 2022, Hansen 1997, Marchand 2021, Marucci 2023, Mirshahi 2022). This variant is absent from the Genome Aggregation Database (v2.1.1), indicating it is not a common polymorphism. This variant causes a frameshift by deleting a single nucleotide in exon 6, so it is predicted to result in a truncated protein or mRNA subject to nonsense-mediated decay. Additionally, other frameshift variants in the exon have been reported in individuals with MODY and are considered pathogenic (Bellanne-Chantelot 2008, Yamagata 1996). Based on available information, the c.1137del variant is considered to be pathogenic. References: Bellanne-Chantelot C et al. The type and the position of HNF1A mutation modulate age at diagnosis of diabetes in patients with maturity-onset diabetes of the young (MODY)-3. Diabetes. 2008 Feb;57(2):503-8. PMID: 18003757. Colclough K et al. Syndromic Monogenic Diabetes Genes Should Be Tested in Patients With a Clinical Suspicion of Maturity-Onset Diabetes of the Young. Diabetes. 2022 Mar 1;71(3):530-537. PMID: 34789499 Hansen T et al. Novel MODY3 mutations in the hepatocyte nuclear factor-1alpha gene: evidence for a hyperexcitability of pancreatic beta-cells to intravenous secretagogues in a glucose-tolerant carrier of a P447L mutation. Diabetes. 1997 Apr;46(4):726-30. PMID: 9075819. Marchand L et al. Monogenic Causes in the Type 1 Diabetes Genetics Consortium Cohort: Low Genetic Risk for Autoimmunity in Case Selection. J Clin Endocrinol Metab. 2021 May 13;106(6):1804-1810. PMID: 33538814. Marucci A et al. MODY patients carrying mutation in syndromic diabetes genes. An Italian single-center experience. Acta Diabetol. 2023 Jan;60(1):131-135. PMID: 36227502. Mirshahi UL et al. Reduced penetrance of MODY-associated HNF1A/HNF4A variants but not GCK variants in clinically unselected cohorts. Am J Hum Genet. 2022 Nov 3;109(11):2018-2028. PMID: 36257325 Yamagata K et al. Mutations in the hepatocyte nuclear factor-1alpha gene in maturity-onset diabetes of the young (MODY3). Nature. 1996 Dec 5;384(6608):455-8. PMID: 8945470.

GeneDx
Classification: Pathogenic. Last evaluated: 2024-09-03. Review status: criteria provided, single submitter. Criteria: GeneDx Variant Classification Process June 2021. Collection method: clinical testing. Allele origin: germline. Affected: yes. Not counted in ClinVar's aggregate classification.
Comment: Frameshift variant predicted to result in protein truncation or nonsense mediated decay in a gene for which loss-of-function is a known mechanism of disease; Not observed at significant frequency in large population cohorts (gnomAD); This variant is associated with the following publications: (PMID: 9754819, 33852230, 25555642, 15928245, 11058894, 35089870, 34789499, 35328643, 36227502, 36257325, 9075819)

Blueprint Genetics
Classification: Pathogenic for HNF1A-related disorders. Last evaluated: 2024-04-22. Review status: criteria provided, single submitter. Criteria: ACMG Guidelines, 2015. Collection method: clinical testing. Allele origin: germline. Affected: yes. Observed: 3 variant alleles. Not counted in ClinVar's aggregate classification.

PreventionGenetics, part of Exact Sciences
Classification: Pathogenic for HNF1A-related condition. Last evaluated: 2023-05-18. Review status: criteria provided, single submitter. Criteria: ACMG Guidelines, 2015. Collection method: clinical testing. Allele origin: germline. Not counted in ClinVar's aggregate classification.
Comment: The HNF1A c.1137delT variant is predicted to result in a frameshift and premature protein termination (p.Val380Serfs*4). This variant has been reported to be pathogenic for maturity onset diabetes of the young (MODY) (Pro379fs in M2 Pedigree at Hansen et al. 1997. PubMed ID: 9075819). This variant has not been reported in a large population database, indicating this variant is rare. Frameshift variants in HNF1A are expected to be pathogenic. This variant is interpreted as pathogenic.

Athena Diagnostics
Classification: Pathogenic. Last evaluated: 2020-10-29. Review status: criteria provided, single submitter. Criteria: Athena Diagnostics criteria. Collection method: clinical testing. Allele origin: unknown. Not counted in ClinVar's aggregate classification.
Comment: This variant is expected to result in the loss of a functional protein. This variant was not reported in large, multi-ethnic, general populations. This variant has been identified in at least one individual with clinical features associated with this gene.

Seattle Children's Hospital Molecular Genetics Laboratory, Seattle Children's Hospital
Classification: Pathogenic for Maturity-onset diabetes of the young type 1. Last evaluated: 2018-07-30. Review status: criteria provided, single submitter. Criteria: ACMG Guidelines, 2015. Collection method: clinical testing. Allele origin: unknown. Inheritance: Autosomal dominant inheritance. Affected: yes. Observed: 1 variant allele, 1 heterozygote. Not counted in ClinVar's aggregate classification.
Comment: The c.1137delT (p.Val380Serfs*4) pathogenic variant is located in exon 6 of the HNF1A gene. The deletion of one nucleotide causes a translational frameshift. The first amino acid altered is at position 380 of the protein, in which serine replaces valine, and there is a premature stop codon 4 amino acids downstream of this altered amino acid. This variant has been reported as pathogenic in the literature by our lab (PMID: 25555642) and others (PMID: 9075819). This variant has not been observed in the general population despite 245,334 alleles being tested (Genome Aggregation Database). Heterozygous inactivating variants in HNF1A are well-described in the medical literature and account for 30-65% of patients with a MODY phenotype. In summary, this variant is interpreted as pathogenic.

Genetic Services Laboratory, University of Chicago
Classification: Pathogenic for MODY, type III. Last evaluated: 2016-06-08. Review status: criteria provided, single submitter. Criteria: ACMG Guidelines, 2015. Collection method: clinical testing. Allele origin: germline. Affected: yes. Not counted in ClinVar's aggregate classification.

Clinical Genomics, Uppaluri K&H Personalized Medicine Clinic
Classification: Likely pathogenic for Maturity-onset diabetes of the young. Review status: criteria provided, single submitter. Criteria: K & H Uppaluri Personalized Medicine Clinic Variant Classification & Assertion Criteria_Updated V.1. Collection method: research. Allele origin: unknown. Inheritance: Autosomal dominant inheritance. Not counted in ClinVar's aggregate classification.
Comment: Mutations in HNF1A gene can predispose to MODY3. It is associated with both micro and macrovascular complications of diabetes, especially cardiovascular complications. Associated with glucosuria. May respond well to sulfonylureas. However, more evidence is required to confer the association of this particular variant rs1555212248 with MODY3.

Seattle Children's Hospital Molecular Genetics Laboratory, Seattle Children's Hospital
Classification: Pathogenic for Maturity-onset diabetes of the young type 3. Review status: criteria provided, single submitter. Criteria: ACMG Guidelines, 2015. Collection method: clinical testing. Allele origin: germline. Affected: yes. Not counted in ClinVar's aggregate classification.
Comment: The p.Val380Serfs*4 variant leads to a frameshift followed by a premature termination codon after four amino acids. The variant falls within exon 6 of 10 total exons and is predicted to cause loss-of-function. This variant has been reported in multiple unrelated individuals with HNF1A-related MODY (PMID: 9075819, PMID: 33852230, PMID: 36227502, PMID: 36257325). The p.Val380Serfs*4 variant is absent from large population studies (gnomAD v2.1.1). Loss-of-function is a known pathogenic mechanism of HNF1A-related MODY.

Literature cited by the submitters: PubMed 15928245 (cited by Labcorp Genetics (formerly Invitae), Labcorp and Athena Diagnostics); PubMed 18003757 (cited by Labcorp Genetics (formerly Invitae), Labcorp); PubMed 9075819 (cited by 3 submitters); PubMed 9754819 (cited by Ambry Genetics and Athena Diagnostics); PubMed 31517624 (cited by Clinical Genomics, Uppaluri K&H Personalized Medicine Clinic); PubMed 32395877 (cited by Clinical Genomics, Uppaluri K&H Personalized Medicine Clinic); PubMed 35328643 (cited by Clinical Genomics, Uppaluri K&H Personalized Medicine Clinic).